The following is an entry in ClinVar:

ClinVar aggregate classification (germline): Benign. Review status: reviewed by expert panel (3 of 4 stars). 18 submissions from 18 submitters: Benign (1). 17 of the submissions do not count toward it. Last evaluated 2024-05-09.

Conditions:
Complex neurodevelopmental disorder. Identifiers: Orphanet 528084, MedGen C5568766, MONDO:0100038.
Developmental and epileptic encephalopathy, 11 (DEE11). Also called: Early infantile epileptic encephalopathy 11. Identifiers: Orphanet 1934, MedGen C3150987, MONDO:0013388, OMIM 613721.
Seizures, benign familial infantile, 3 (BFIS3). Also called: CONVULSIONS, BENIGN FAMILIAL INFANTILE, 3; Familial neonatal seizures. Identifiers: Orphanet 140927, Orphanet 306, MedGen C1843140, MONDO:0011904, OMIM 607745.
Episodic ataxia, type 9. Identifiers: MedGen C5394520, MONDO:0030064, OMIM 618924.
Inborn genetic diseases. Identifiers: MedGen C0950123, MeSH D030342.

Allele frequency attached by ClinVar (database versions not stated): 1000 Genomes Project 30x 0.00250; 1000 Genomes Project 0.00260; gnomAD 0.00365 and 0.00366; TOPMed 0.00432; gnomAD exomes 0.00437 and 0.00560; ESP Exome Variant Server 0.00469; ExAC 0.00491.
gnomAD v4.1: 8,716 of 1,614,136 alleles (0.54%); highest among the groups gnomAD compares: Non-Finnish European, 0.64%; 37 homozygotes.

Submissions (18):

ClinGen Epilepsy Sodium Channel Variant Curation Expert Panel, Clingen
Classification: Benign for Complex neurodevelopmental disorder. Last evaluated: 2024-05-09. Review status: reviewed by expert panel. Criteria: ClinGen EpilepsySCN ACMG Specifications SCN2A V1.0.0. Collection method: curation. Allele origin: germline. Inheritance: Autosomal dominant inheritance.
Comment: The c.2723A>G variant in SCN2A is a missense variant predicted to cause substitution of lysine by arginine at amino acid 908 (p.Lys908Arg). This variant is present in gnomAD v2.1 at an allele frequency of 0.4% (1190/282874 alleles), with the highest sub-population minor allele frequency of 0.6% in the European (non-Finnish) population, which exceeds the ClinGen Epilepsy Sodium Channel threshold (0.01%) for BA1. Additionally, gnomAD v2.1.1 reports 7 individuals with this variant in a homozygous state (BS1). In summary, this variant meets the criteria to be classified as Benign for AUTOSOMAL DOMINANT COMPLEX NEURODEVELOPMENTAL DISORDER based on the ACMG/AMP criteria applied, as specified by the ClinGen Epilepsy Sodium Channel VCEP: BA1, BS1 (VCEP specifications version 1.0; 6/13/2023)

CeGaT Center for Human Genetics Tuebingen
Classification: Likely benign. Last evaluated: 2026-08-01. Review status: criteria provided, single submitter. Criteria: CeGaT Center For Human Genetics Tuebingen Variant Classification Criteria Version 2. Collection method: clinical testing. Allele origin: germline. Affected: yes. Observed: 77 variant alleles. Not counted in ClinVar's aggregate classification.
Comment: SCN2A: PM5, PP2, BS2

Labcorp Genetics (formerly Invitae), Labcorp
Classification: Benign for Seizures, benign familial infantile, 3; Developmental and epileptic encephalopathy, 11. Last evaluated: 2026-02-02. Review status: criteria provided, single submitter. Criteria: Invitae Variant Classification Sherloc (09022015). Collection method: clinical testing. Allele origin: germline. Not counted in ClinVar's aggregate classification.

Athena Diagnostics
Classification: Benign. Last evaluated: 2025-04-25. Review status: criteria provided, single submitter. Criteria: Athena Diagnostics Criteria. Collection method: clinical testing. Allele origin: unknown. Not counted in ClinVar's aggregate classification.
Comment: The frequency of this variant in the general population is higher than would generally be expected for pathogenic variants in this gene.

Blueprint Genetics
Classification: Likely benign. Last evaluated: 2024-11-22. Review status: criteria provided, single submitter. Criteria: ACMG Guidelines, 2015. Collection method: clinical testing. Allele origin: germline. Not counted in ClinVar's aggregate classification.

Mayo Clinic Laboratories, Mayo Clinic
Classification: Benign. Last evaluated: 2023-02-13. Review status: criteria provided, single submitter. Criteria: ACMG Guidelines, 2015. Collection method: clinical testing. Allele origin: germline. Observed: 5 variant alleles. Not counted in ClinVar's aggregate classification.
Comment: BS1, BS2

Fulgent Genetics
Classification: Likely benign for Seizures, benign familial infantile, 3; Developmental and epileptic encephalopathy, 11; Episodic ataxia, type 9. Last evaluated: 2021-12-02. Review status: criteria provided, single submitter. Criteria: ACMG Guidelines, 2015. Collection method: clinical testing. Allele origin: unknown. Not counted in ClinVar's aggregate classification.

Mendelics
Classification: Likely benign for Seizures, benign familial infantile, 3. Last evaluated: 2019-05-28. Review status: criteria provided, single submitter. Criteria: Mendelics Assertion Criteria 2017. Collection method: clinical testing. Allele origin: unknown. Not counted in ClinVar's aggregate classification.

Ambry Genetics
Classification: Likely benign for Inborn genetic diseases. Last evaluated: 2018-06-12. Review status: criteria provided, single submitter. Criteria: Ambry Variant Classification Scheme 2023. Collection method: clinical testing. Allele origin: germline. Not counted in ClinVar's aggregate classification.

Illumina Laboratory Services, Illumina
Classification: Benign for Seizures, benign familial infantile, 3. Last evaluated: 2018-01-12. Review status: criteria provided, single submitter. Criteria: ICSL Variant Classification Criteria 13 December 2019. Collection method: clinical testing. Allele origin: germline. Not counted in ClinVar's aggregate classification.
Comment: This variant was observed in the ICSL laboratory as part of a predisposition screen in an ostensibly healthy population. It had not been previously curated by ICSL or reported in the Human Gene Mutation Database (HGMD: prior to June 1st, 2018), and was therefore a candidate for classification through an automated scoring system. Utilizing variant allele frequency, disease prevalence and penetrance estimates, and inheritance mode, an automated score was calculated to assess if this variant is too frequent to cause the disease. Based on the score and internal cut-off values, a variant classified as benign is not then subjected to further curation. The score for this variant resulted in a classification of benign for this disease.

Center for Pediatric Genomic Medicine, Children's Mercy Hospital and Clinics
Classification: Likely benign. Last evaluated: 2016-06-15. Review status: criteria provided, single submitter. Criteria: ACMG Guidelines, 2015. Collection method: clinical testing. Allele origin: germline. Not counted in ClinVar's aggregate classification.
ClinVar note: Converted during submission from Likely Benign to Likely benign.

Eurofins Ntd Llc (ga)
Classification: Benign. Last evaluated: 2015-11-16. Review status: criteria provided, single submitter. Criteria: EGL Classification Definitions 2015. Collection method: clinical testing. Allele origin: germline. Observed: 1 variant allele, 1 heterozygote. Not counted in ClinVar's aggregate classification.

Genetic Services Laboratory, University of Chicago
Classification: Benign for AllHighlyPenetrant. Last evaluated: 2014-01-27. Review status: criteria provided, single submitter. Criteria: ACMG Guidelines, 2007. Collection method: clinical testing. Allele origin: germline. Inheritance: Autosomal dominant inheritance. Not counted in ClinVar's aggregate classification.

GeneDx
Classification: Benign. Last evaluated: 2013-06-20. Review status: criteria provided, single submitter. Criteria: GeneDx Variant Classification (06012015). Collection method: clinical testing. Allele origin: germline. Affected: yes. Not counted in ClinVar's aggregate classification.
Comment: This variant is considered likely benign or benign based on one or more of the following criteria: it is a conservative change, it occurs at a poorly conserved position in the protein, it is predicted to be benign by multiple in silico algorithms, and/or has population frequency not consistent with disease.

Breakthrough Genomics
Classification: Likely benign. Review status: criteria provided, single submitter. Criteria: ACMG Guidelines, 2015. Collection method: not provided. Allele origin: germline. Inheritance: Autosomal dominant inheritance. Affected: yes. Not counted in ClinVar's aggregate classification.

PreventionGenetics, part of Exact Sciences
Classification: Benign. Review status: criteria provided, single submitter. Criteria: ACMG Guidelines, 2015. Collection method: clinical testing. Allele origin: germline. Not counted in ClinVar's aggregate classification.

Diagnostic Laboratory, Department of Genetics, University Medical Center Groningen
Classification: Benign. Review status: no assertion criteria provided. Collection method: clinical testing. Allele origin: germline. Affected: yes. Study: VKGL Data-share Consensus. Not counted in ClinVar's aggregate classification.

Genome Diagnostics Laboratory, University Medical Center Utrecht
Classification: Benign. Review status: no assertion criteria provided. Collection method: clinical testing. Allele origin: germline. Affected: yes. Study: VKGL Data-share Consensus. Not counted in ClinVar's aggregate classification.

Literature cited by the submitters: PubMed 30564305 (cited by Athena Diagnostics); PubMed 24579881 (cited by Athena Diagnostics); PubMed 19702560 (cited by Ambry Genetics).

NM_001040142.2(SCN2A):c.2723A>G (p.Lys908Arg)

Gene: SCN2A (sodium voltage-gated channel alpha subunit 2; plus strand). Cytogenetic location: 2q24.3.
Variant type: single nucleotide variant.
Coding change: c.2723A>G on transcript NM_001040142.2 (MANE Select); coding-DNA position 2723, A replaced by G.
Protein change: p.Lys908Arg; replaces lysine 908 with arginine.
Molecular consequence: missense variant.
Genome position (GRCh38, 1-based): chr2:165,344,715, A>G. VCF-style: chr2-165344715-A-G. GRCh37 (hg19) VCF-style: chr2-166201225-A-G.
Other names: p.K908R:AAA>AGA; NM_001040142.2(SCN2A):c.2723A>G; p.Lys908Arg; c.2723A>G, p.Lys908Arg (NM_001040143.2, NM_001371246.1, NM_001371247.1 and 1 more transcripts); short protein forms K908R.
Identifiers: ClinVar variation 130219 (VCV000130219.68), dbSNP rs2228980, ClinGen allele CA155058.